The following is an entry in ClinVar:

NM_005378.6(MYCN):c.-101C>T

Genes: MYCN (MYCN proto-oncogene, bHLH transcription factor; plus strand), MYCNOS (MYCN opposite strand; minus strand). Cytogenetic location: 2p24.3.
Variant type: single nucleotide variant.
Coding change: c.-101C>T on transcript NM_005378.6 (MANE Select); 101 bases upstream of the start codon, C replaced by T.
Molecular consequence: 5 prime UTR variant. On other transcripts: synonymous variant (1), intron variant (1).
Genome position (GRCh38, 1-based): chr2:15,941,964, C>T. VCF-style: chr2-15941964-C-T. GRCh37 (hg19) VCF-style: chr2-16082086-C-T.
Other names: c.-101C>T (NM_001293228.2); c.174C>T, p.Ala58= (NM_001293233.2); c.157+1221C>T (NM_001293231.2).
Identifiers: ClinVar variation 3043922 (VCV003043922.2), dbSNP rs933746979, ClinGen allele CA43192083.

ClinVar aggregate classification (germline): Likely benign (0 of 4 stars; one submission).

Conditions:
MYCN-related disorder. Also called: MYCN-related condition.

Allele frequency attached by ClinVar (database versions not stated): TOPMed 0.00004; gnomAD 0.00005.

Submission:

PreventionGenetics, part of Exact Sciences
Classification: Likely benign for MYCN-related condition. Last evaluated: 2019-06-03. Review status: no assertion criteria provided. Collection method: clinical testing. Allele origin: germline.
Comment: This variant is classified as likely benign based on ACMG/AMP sequence variant interpretation guidelines (Richards et al. 2015 PMID: 25741868, with internal and published modifications).